The following is an entry in ClinVar:

NM_002474.3(MYH11):c.4737T>A (p.Asp1579Glu)

Genes: NDE1 (nudE neurodevelopment protein 1; plus strand), MYH11 (myosin heavy chain 11; minus strand). Cytogenetic location: 16p13.11.
Variant type: single nucleotide variant.
Coding change: c.4737T>A on transcript NM_002474.3 (MANE Select); coding-DNA position 4737, T replaced by A.
Protein change: p.Asp1579Glu; replaces aspartic acid 1579 with glutamic acid.
Molecular consequence: missense variant. On other transcripts: intron variant (2).
Genome position (GRCh38, 1-based): chr16:15,720,893, A>T on the plus strand (T>A on the coding strand, the complement: MYH11 is on the minus strand). VCF-style: chr16-15720893-A-T. GRCh37 (hg19) VCF-style: chr16-15814750-A-T.
Other names: c.4758T>A, p.Asp1586Glu (NM_001040113.2, NM_001040114.2); c.4737T>A, p.Asp1579Glu (NM_022844.3); c.948-3298A>T (NM_001143979.2, NM_017668.3); short protein forms D1579E, D1586E.
Identifiers: ClinVar variation 3072791 (VCV003072791.2), dbSNP rs2506120366, ClinGen allele CA394853592.
Genomic context (GRCh38, chr16:15,720,893, plus strand): 5'-ACGCACCTGTCTCTGCAGTTGCCTCCTCTTCTCCTCATTCTGCTCGTCCCGGGCTTGGAG[A>T]TCCCTTTCGAACTGGCCCTTGAGCGCCTGCATGTTGACTTCCAGCCGCAGTTTGGCGTCC-3'
Protein context (NP_002465.1, residues 1569-1589): MQALKGQFER[Asp1579Glu]LQARDEQNEE

ClinVar aggregate classification (germline): Uncertain significance. Review status: criteria provided, multiple submitters, no conflicts (2 of 4 stars). 2 submissions from 2 submitters: Uncertain significance (2). Last evaluated 2025-08-25.

Conditions:
Familial thoracic aortic aneurysm and aortic dissection (TAAD). Also called: Thoracic aortic aneurysms and dissections. Identifiers: Orphanet 91387, MedGen C4707243, MONDO:0019625.

Allele frequency attached by ClinVar (database versions not stated): gnomAD exomes below 0.00001.
gnomAD v4.1: 1 of 1,613,726 alleles (0.000062%); highest among the groups gnomAD compares: Non-Finnish European, 0.000085%; no homozygotes.

Submissions (2):

Color Diagnostics, LLC DBA Color Health
Classification: Uncertain significance for Familial thoracic aortic aneurysm and aortic dissection. Last evaluated: 2025-08-25. Review status: criteria provided, single submitter. Criteria: ACMG Guidelines, 2015. Collection method: clinical testing. Allele origin: germline.
Comment: This missense variant replaces aspartic acid with glutamic acid at codon 1586 of the MYH11 protein. Computational prediction suggests that this variant may not impact protein structure and function. To our knowledge, functional studies have not been reported for this variant. This variant has not been reported in individuals affected with MYH11-related disorders in the literature. This variant has not been identified in the general population by the Genome Aggregation Database (gnomAD). The available evidence is insufficient to determine the role of this variant in disease conclusively. Therefore, this variant is classified as a Variant of Uncertain Significance.

All of Us Research Program, National Institutes of Health
Classification: Uncertain significance for Familial thoracic aortic aneurysm and aortic dissection. Last evaluated: 2023-08-15. Review status: criteria provided, single submitter. Criteria: ACMG Guidelines, 2015. Collection method: clinical testing. Allele origin: germline. Inheritance: Autosomal dominant inheritance. Observed: 1 variant allele, 1 heterozygote.
Comment: This missense variant replaces aspartic acid with glutamic acid at codon 1586 of the MYH11 protein. Computational prediction suggests that this variant may not impact protein structure and function (internally defined REVEL score threshold <= 0.5, PMID: 27666373). To our knowledge, functional studies have not been reported for this variant. This variant has not been reported in individuals affected with MYH11-related disorders in the literature. This variant has not been identified in the general population by the Genome Aggregation Database (gnomAD). The available evidence is insufficient to determine the role of this variant in disease conclusively. Therefore, this variant is classified as a Variant of Uncertain Significance.

This study involves interpretation of variants in research participants for the purpose of population health screening. Participant phenotype was not available at the time of variant classification. Additional details can be found in publication PMID: 35346344, PMCID: PMC8962531